The following is an entry in ClinVar:

ClinVar aggregate classification (germline): Pathogenic. Review status: criteria provided, multiple submitters, no conflicts (2 of 4 stars). 4 submissions from 4 submitters: Pathogenic (4). Last evaluated 2025-10-15.

Conditions:
Dystonia 9 (DYT9). Also called: CHOREOATHETOSIS, KINESIGENIC, WITH EPISODIC ATAXIA AND SPASTICITY. Identifiers: Orphanet 53583, MedGen C1832855, MONDO:0010983, OMIM 601042.
Encephalopathy due to GLUT1 deficiency. Also called: GLUT1 deficiency syndrome 1, infantile onset, severe; GLUCOSE TRANSPORT DEFECT, BLOOD-BRAIN BARRIER; De Vivo disease; Glucose transporter protein syndrome; GLUT1 deficiency syndrome 1; Classic Glucose Transporter Type 1 Deficiency Syndrome. Identifiers: Orphanet 71277, MedGen C4551966, MONDO:0011724, OMIM 606777.

Submissions (4):

Variantyx, Inc.
Classification: Pathogenic for Encephalopathy due to GLUT1 deficiency. Last evaluated: 2025-10-15. Review status: criteria provided, single submitter. Criteria: Variantyx Assertion Criteria 2022. Collection method: clinical testing. Allele origin: germline. Inheritance: Autosomal dominant inheritance. Affected: yes.
Comment: This is a canonical splicing variant in the SLC2A1 gene (OMIM: 138140). Pathogenic variants in this gene have been associated with autosomal dominant severe infantile onset GLUT1 deficiency syndrome 1. This splicing variant is expected to result in loss of function, which is a known disease mechanism for SLC2A1 in this disorder (PMID: 20129935, 37335529) (PVS1). This variant has been reported in at least 1 affected individual(s) (PMID: 37335529) (PS4_. This variant is absent from control populations (PM2). Based on the current evidence, this variant is classified as pathogenic for autosomal dominant severe infantile onset GLUT1 deficiency syndrome 1.

Genome-Nilou Lab
Classification: Pathogenic for Encephalopathy due to GLUT1 deficiency. Last evaluated: 2023-04-11. Review status: criteria provided, single submitter. Criteria: ACMG Guidelines, 2015. Collection method: clinical testing. Allele origin: germline. Affected: no.

GeneDx
Classification: Pathogenic. Last evaluated: 2022-12-28. Review status: criteria provided, single submitter. Criteria: GeneDx Variant Classification Process June 2021. Collection method: clinical testing. Allele origin: germline. Affected: yes.
Comment: Canonical splice site variant predicted to result in a null allele in a gene for which loss of function is a known mechanism of disease; Not observed at significant frequency in large population cohorts (gnomAD); Has not been previously published as pathogenic or benign to our knowledge

Mendelics
Classification: Pathogenic for Dystonia 9. Last evaluated: 2022-05-04. Review status: criteria provided, single submitter. Criteria: Mendelics Assertion Criteria 2019. Collection method: clinical testing. Allele origin: germline.

Literature cited by the submitters: PubMed 20129935 (cited by Variantyx, Inc.); PubMed 37335529 (cited by Variantyx, Inc.).

NM_006516.4(SLC2A1):c.115-2A>C

Gene: SLC2A1 (solute carrier family 2 member 1; minus strand). Cytogenetic location: 1p34.2.
Variant type: single nucleotide variant.
Coding change: c.115-2A>C on transcript NM_006516.4 (MANE Select); the canonical splice acceptor site of the intron before coding-DNA position 115, A replaced by C.
Molecular consequence: splice acceptor variant.
Genome position (GRCh38, 1-based): chr1:42,931,208, T>G on the plus strand (A>C on the coding strand, the complement: SLC2A1 is on the minus strand). VCF-style: chr1-42931208-T-G. GRCh37 (hg19) VCF-style: chr1-43396879-T-G.
Identifiers: ClinVar variation 1686203 (VCV001686203.4), dbSNP rs2124450950, ClinGen allele CA339962697.